The following is an entry in ClinVar:

NM_001365088.1(SLC12A6):c.*11A>G

Gene: SLC12A6 (solute carrier family 12 member 6; minus strand). Cytogenetic location: 15q14.
Variant type: single nucleotide variant.
Coding change: c.*11A>G on transcript NM_001365088.1 (MANE Select); 11 bases downstream of the stop codon, A replaced by G.
Molecular consequence: 3 prime UTR variant.
Genome position (GRCh38, 1-based): chr15:34,233,870, T>C on the plus strand (A>G on the coding strand, the complement: SLC12A6 is on the minus strand). VCF-style: chr15-34233870-T-C. GRCh37 (hg19) VCF-style: chr15-34526071-T-C.
Other names: c.*11A>G (NM_005135.2, NM_133647.2, NM_001042494.2 and 3 more transcripts).
Identifiers: ClinVar variation 4525867 (VCV004525867.1).

ClinVar aggregate classification (germline): Uncertain significance (1 of 4 stars; one submission).

gnomAD v4.1: 5 of 1,486,086 alleles (0.00034%); highest among the groups gnomAD compares: Non-Finnish European, 0.00047%; no homozygotes.

Submission:

Women's Health and Genetics/Laboratory Corporation of America, LabCorp
Classification: Uncertain significance. Last evaluated: 2025-07-16. Review status: criteria provided, single submitter. Criteria: LabCorp Variant Classification Summary - May 2015. Collection method: clinical testing. Allele origin: germline.
Comment: Variant summary: SLC12A6 c.*11A>G is located in the untranslated mRNA region downstream of the termination codon. The variant was absent in 251374 control chromosomes. The available data on variant occurrences in the general population are insufficient to allow any conclusion about variant significance. To our knowledge, no occurrence of c.*11A>G in individuals affected with Agenesis of the corpus callosum with peripheral neuropathy and no experimental evidence demonstrating its impact on protein function have been reported. No submitters have cited clinical-significance assessments for this variant to ClinVar. Based on the evidence outlined above, the variant was classified as uncertain significance.